The following is an entry in ClinVar:

NM_002439.5(MSH3):c.2557GAA[1] (p.Glu854del)

Gene: MSH3 (mutS homolog 3; plus strand). Cytogenetic location: 5q14.1.
Variant type: Microsatellite.
Coding change: c.2557GAA[1] on transcript NM_002439.5 (MANE Select); one copy of the 3-base unit GAA starting at c.2557; the reference has two copies in a row; one copy, 3 bases deleted.
Protein change: p.Glu854del; deletes glutamic acid 854.
Molecular consequence: inframe deletion.
Genome position (GRCh38, 1-based): chr5:80,792,749-80,792,751, GAA deleted; deleting any 3 consecutive bases within chr5:80,792,744-80,792,751 gives the same sequence; the position shown is the placement nearest the transcript's 3' end. VCF-style (leftmost placement, unchanged base first): chr5-80792743-CAAG-C. GRCh37 (hg19) VCF-style: chr5-80088562-CAAG-C.
Other names: c.2560_2562delGAA (NM_002439.3); short protein forms E854del.
Identifiers: ClinVar variation 644155 (VCV000644155.9), dbSNP rs1580053675, ClinGen allele CA915943367.

ClinVar aggregate classification (germline): Uncertain significance. Review status: criteria provided, multiple submitters, no conflicts (2 of 4 stars). 2 submissions from 2 submitters: Uncertain significance (2). Last evaluated 2024-10-28.

Conditions:
Hereditary cancer-predisposing syndrome. Also called: Neoplastic Syndromes, Hereditary; Tumor predisposition; Hereditary neoplastic syndrome; Hereditary Cancer Syndrome. Identifiers: Orphanet 140162, MedGen C0027672, MeSH D009386, MONDO:0015356.

Submissions (2):

Labcorp Genetics (formerly Invitae), Labcorp
Classification: Uncertain significance. Last evaluated: 2024-10-28. Review status: criteria provided, single submitter. Criteria: Invitae Variant Classification Sherloc (09022015). Collection method: clinical testing. Allele origin: germline.
Comment: This variant, c.2560_2562del, results in the deletion of 1 amino acid(s) of the MSH3 protein (p.Glu854del), but otherwise preserves the integrity of the reading frame. This variant is not present in population databases (gnomAD no frequency). This variant has not been reported in the literature in individuals affected with MSH3-related conditions. ClinVar contains an entry for this variant (Variation ID: 644155). Experimental studies and prediction algorithms are not available or were not evaluated, and the functional significance of this variant is currently unknown. In summary, the available evidence is currently insufficient to determine the role of this variant in disease. Therefore, it has been classified as a Variant of Uncertain Significance.

Ambry Genetics
Classification: Uncertain significance for Hereditary cancer-predisposing syndrome. Last evaluated: 2023-10-24. Review status: criteria provided, single submitter. Criteria: Ambry Variant Classification Scheme 2023. Collection method: clinical testing. Allele origin: germline.
Comment: The c.2560_2562delGAA variant (also known as p.E854del) is located in coding exon 19 of the MSH3 gene. This variant results from an in-frame GAA deletion at nucleotide positions 2560 to 2562. This results in the in-frame deletion of a glutamic acid at codon 854. This amino acid position is not well conserved in available vertebrate species. In addition, this alteration is predicted to be deleterious by in silico analysis (Choi Y et al. PLoS ONE. 2012; 7(10):e46688). Since supporting evidence is limited at this time, the clinical significance of this alteration remains unclear.